The following is an entry in ClinVar:

ClinVar aggregate classification (germline): Pathogenic/Likely pathogenic. Review status: criteria provided, multiple submitters, no conflicts (2 of 4 stars). 10 submissions from 10 submitters: Pathogenic (5); Likely pathogenic (3). 2 of the submissions do not count toward it. Last evaluated 2026-03-26.

Conditions:
LRP2-related disorder. Also called: LRP2-related condition.
Donnai-Barrow syndrome. Also called: DBS/FOAR SYNDROME; FACIOOCULOACOUSTICORENAL SYNDROME. Identifiers: Orphanet 2143, MedGen C1857277, MONDO:0009104, OMIM 222448.

Submissions (10):

GeneDx
Classification: Pathogenic. Last evaluated: 2026-03-26. Review status: criteria provided, single submitter. Criteria: GeneDx Variant Classification Process June 2021. Collection method: clinical testing. Allele origin: germline.
Comment: Frameshift variant predicted to result in protein truncation or nonsense mediated decay in a gene for which loss of function is a known mechanism of disease; This variant is associated with the following publications: (PMID: 31589614, 17632512, 39030589, 33103447)

Labcorp Genetics (formerly Invitae), Labcorp
Classification: Pathogenic. Last evaluated: 2025-12-21. Review status: criteria provided, single submitter. Criteria: Invitae Variant Classification Sherloc (09022015). Collection method: clinical testing. Allele origin: germline.
Comment: This sequence change creates a premature translational stop signal (p.Cys4381Metfs*12) in the LRP2 gene. It is expected to result in an absent or disrupted protein product. Loss-of-function variants in LRP2 are known to be pathogenic (PMID: 17632512, 25682901). The frequency data for this variant in the population databases is considered unreliable, as metrics indicate poor data quality at this position in the gnomAD database. This premature translational stop signal has been observed in individual(s) with Donnai-Barrow syndrome (PMID: 17632512). It has also been observed to segregate with disease in related individuals. ClinVar contains an entry for this variant (Variation ID: 21419). For these reasons, this variant has been classified as Pathogenic.

PreventionGenetics, part of Exact Sciences
Classification: Likely pathogenic for LRP2-related condition. Last evaluated: 2025-05-22. Review status: criteria provided, single submitter. Criteria: ACMG Guidelines, 2015. Collection method: clinical testing. Allele origin: germline.
Comment: The LRP2 c.13139dupC variant is predicted to result in a frameshift and premature protein termination (p.Cys4381Metfs*12). This variant, along with a splicing variant, was reported in the compound heterozygous state in an individual with Donnai-Barrow syndrome (Table S3, Kantarci et al. 2007. PubMed ID: 17632512). This variant is reported in 0.022% of alleles in individuals of European (Non-Finnish) descent in gnomAD. Of note, the reported allele frequency may not be accurate due to the limitations of next-generation sequencing technology to accurately sequence repetitive regions. Frameshift variants in LRP2 are expected to be pathogenic. This variant is interpreted as likely pathogenic.

Fulgent Genetics
Classification: Likely pathogenic for Donnai-Barrow syndrome. Last evaluated: 2024-04-02. Review status: criteria provided, single submitter. Criteria: ACMG Guidelines, 2015. Collection method: clinical testing. Allele origin: germline.

Blueprint Genetics
Classification: Likely pathogenic for LRP2-related disorders. Last evaluated: 2023-10-02. Review status: criteria provided, single submitter. Criteria: ACMG Guidelines, 2015. Collection method: clinical testing. Allele origin: germline. Affected: yes. Observed: 5 variant alleles.

CeGaT Center for Human Genetics Tuebingen
Classification: Pathogenic. Last evaluated: 2022-08-01. Review status: criteria provided, single submitter. Criteria: CeGaT Center For Human Genetics Tuebingen Variant Classification Criteria Version 2. Collection method: clinical testing. Allele origin: germline. Affected: yes. Observed: 1 variant allele.
Comment: LRP2: PVS1, PM2

Juno Genomics, Hangzhou Juno Genomics, Inc
Classification: Pathogenic for Donnai-Barrow syndrome. Review status: criteria provided, single submitter. Criteria: ACMG Guidelines, 2015. Collection method: clinical testing. Allele origin: germline. Affected: yes.
Comment: Absent from controls (or at extremely low frequency if recessive) in Genome Aggregation Database, Exome Sequencing Project, 1000 Genomes Project, or Exome Aggregation Consortium.;Null variant in a gene where loss of function (LOF) is a known mechanism of disease.;For recessive disorders, detected in trans with a pathogenic variant.;Patient's phenotype or family history is highly specific for a disease with a single genetic etiology.

Kariminejad - Najmabadi Pathology & Genetics Center
Classification: Pathogenic for Donnai-Barrow syndrome. Review status: criteria provided, single submitter. Criteria: ACMG Guidelines, 2015. Collection method: clinical testing. Allele origin: germline. Affected: no.

Yale Center for Mendelian Genomics, Yale University
Classification: Likely pathogenic for Donnai-Barrow syndrome. Last evaluated: 2020-10-26. Review status: no assertion criteria provided. Collection method: literature only. Allele origin: germline. Affected: yes. Observed: 1 homozygote. Study: Yale Center for Mendelian Genomics. Not counted in ClinVar's aggregate classification.

GeneReviews
No classification provided. Condition: Donnai-Barrow syndrome. Review status: no classification provided. Collection method: literature only. Allele origin: unknown. Not counted in ClinVar's aggregate classification.

Literature cited by the submitters: PubMed 17632512 (cited by Labcorp Genetics (formerly Invitae), Labcorp and GeneReviews); PubMed 25682901 (cited by Labcorp Genetics (formerly Invitae), Labcorp); PubMed 33103447 (cited by Yale Center for Mendelian Genomics, Yale University); PubMed 20301732 (cited by GeneReviews); NCBI Bookshelf NBK1878 (cited by GeneReviews).

NM_004525.3(LRP2):c.13139dup (p.Cys4381fs)

Gene: LRP2 (LDL receptor related protein 2; minus strand). Cytogenetic location: 2q31.1.
Variant type: Duplication.
Coding change: c.13139dup on transcript NM_004525.3 (MANE Select); coding-DNA position 13139, one base duplicated (C; older notation c.13139dupC).
Protein change: p.Cys4381fs; shifts the reading frame from cysteine 4381.
Molecular consequence: frameshift variant.
Genome position (GRCh38, 1-based): chr2:169,140,515, G duplicated on the plus strand (C on the coding strand, the reverse complement: LRP2 is on the minus strand); the first of 8 consecutive G bases (chr2:169,140,515-169,140,522); duplicating any one gives the same sequence. VCF-style (leftmost placement, unchanged base first): chr2-169140514-T-TG. GRCh37 (hg19) VCF-style: chr2-169997024-T-TG.
Other names: c.13139dup (NM_004525.2); short protein forms C4381fs.
Identifiers: ClinVar variation 21419 (VCV000021419.52), dbSNP rs80338754, ClinGen allele CA342046.